The following is an entry in ClinVar:

NM_001134363.3(RBM20):c.317C>T (p.Ala106Val)

Gene: RBM20 (RNA binding motif protein 20; plus strand). Cytogenetic location: 10q25.2.
Variant type: single nucleotide variant.
Coding change: c.317C>T on transcript NM_001134363.3 (MANE Select); coding-DNA position 317, C replaced by T.
Protein change: p.Ala106Val; replaces alanine 106 with valine.
Molecular consequence: missense variant.
Genome position (GRCh38, 1-based): chr10:110,780,926, C>T. VCF-style: chr10-110780926-C-T. GRCh37 (hg19) VCF-style: chr10-112540684-C-T.
Other names: short protein forms A106V.
Identifiers: ClinVar variation 2449399 (VCV002449399.4), dbSNP rs1333721780, ClinGen allele CA378379527.

ClinVar aggregate classification (germline): Uncertain significance. Review status: criteria provided, multiple submitters, no conflicts (2 of 4 stars). 2 submissions from 2 submitters: Uncertain significance (2). Last evaluated 2024-03-03.

Conditions:
Cardiovascular phenotype. Identifiers: MedGen CN230736.
Dilated cardiomyopathy 1DD (CMD1DD). Identifiers: Orphanet 154, MedGen C2750995, MONDO:0013168, OMIM 613172.

Submissions (2):

Labcorp Genetics (formerly Invitae), Labcorp
Classification: Uncertain significance for Dilated cardiomyopathy 1DD. Last evaluated: 2024-03-03. Review status: criteria provided, single submitter. Criteria: Invitae Variant Classification Sherloc (09022015). Collection method: clinical testing. Allele origin: germline.
Comment: This sequence change replaces alanine, which is neutral and non-polar, with valine, which is neutral and non-polar, at codon 106 of the RBM20 protein (p.Ala106Val). This variant is not present in population databases (gnomAD no frequency). This missense change has been observed in individual(s) with hypertrophic cardiomyopathy (PMID: 34333030). ClinVar contains an entry for this variant (Variation ID: 2449399). Advanced modeling of protein sequence and biophysical properties (such as structural, functional, and spatial information, amino acid conservation, physicochemical variation, residue mobility, and thermodynamic stability) performed at Invitae indicates that this missense variant is not expected to disrupt RBM20 protein function with a negative predictive value of 95%. In summary, the available evidence is currently insufficient to determine the role of this variant in disease. Therefore, it has been classified as a Variant of Uncertain Significance.

Ambry Genetics
Classification: Uncertain significance for Cardiovascular phenotype. Last evaluated: 2023-02-16. Review status: criteria provided, single submitter. Criteria: Ambry Variant Classification Scheme 2023. Collection method: clinical testing. Allele origin: germline.
Comment: The p.A106V variant (also known as c.317C>T), located in coding exon 2 of the RBM20 gene, results from a C to T substitution at nucleotide position 317. The alanine at codon 106 is replaced by valine, an amino acid with similar properties. This alteration has been reported in a hypertrophic cardiomyopathy (HCM) cohort; however, clinical details were limited (Dai J et al. Can J Cardiol, 2021 Nov;37:1751-1759). This amino acid position is highly conserved in available vertebrate species. In addition, the in silico prediction for this alteration is inconclusive. Since supporting evidence is limited at this time, the clinical significance of this alteration remains unclear.

Literature cited by the submitters: PubMed 34333030 (cited by Labcorp Genetics (formerly Invitae), Labcorp and Ambry Genetics).